The following is an entry in ClinVar:

ClinVar aggregate classification (germline): Pathogenic (1 of 4 stars; one submission).

Conditions:
Mevalonic aciduria (MEVA). Identifiers: Orphanet 29, MedGen C1959626, MONDO:0012481, OMIM 610377.
Hyperimmunoglobulin D with periodic fever (HIDS). Also called: HYPERIMMUNOGLOBULINEMIA D AND PERIODIC FEVER SYNDROME; Hyperimmunoglobulinemia D; Hyperimmunoglobulinemia D with periodic fever. Identifiers: Orphanet 343, MedGen C0398691, MONDO:0009849, OMIM 260920.
Porokeratosis 3, disseminated superficial actinic type (POROK3). Also called: POROKERATOSIS, DISSEMINATED SUPERFICIAL ACTINIC, 1; POROKERATOSIS 3, MIBELLI TYPE; POROKERATOSIS 3, MULTIPLE TYPES. Identifiers: MedGen C1867981, MONDO:0008293, OMIM 175900.

Submission:

Labcorp Genetics (formerly Invitae), Labcorp
Classification: Pathogenic for Mevalonic aciduria; Hyperimmunoglobulin D with periodic fever; Porokeratosis 3, disseminated superficial actinic type. Last evaluated: 2023-01-16. Review status: criteria provided, single submitter. Criteria: Invitae Variant Classification Sherloc (09022015). Collection method: clinical testing. Allele origin: germline.
Comment: This premature translational stop signal has been observed in individual(s) with primary immunodeficiency (PMID: 32888943). This variant is also known as c.412delC. For these reasons, this variant has been classified as Pathogenic. This variant is not present in population databases (gnomAD no frequency). This sequence change creates a premature translational stop signal (p.Ala141Argfs*18) in the MVK gene. It is expected to result in an absent or disrupted protein product. Loss-of-function variants in MVK are known to be pathogenic (PMID: 16835861, 17105862, 23834120).

Literature cited by the submitters: PubMed 32888943; PubMed 16835861; PubMed 17105862; PubMed 23834120.

NM_000431.4(MVK):c.417del (p.Ala141fs)

Gene: MVK (mevalonate kinase; plus strand). Cytogenetic location: 12q24.11.
Variant type: Deletion.
Coding change: c.417del on transcript NM_000431.4 (MANE Select); coding-DNA position 417, one base deleted (C; older notation c.417delC).
Protein change: p.Ala141fs; shifts the reading frame from alanine 141.
Molecular consequence: frameshift variant. On other transcripts: 5 prime UTR variant (1), non-coding transcript variant (3), intron variant (2).
Genome position (GRCh38, 1-based): chr12:109,581,440, C deleted; the last of 6 consecutive C bases (chr12:109,581,435-109,581,440); deleting any one gives the same sequence. VCF-style (leftmost placement, unchanged base first): chr12-109581434-GC-G. GRCh37 (hg19) VCF-style: chr12-110019239-GC-G.
Other names: c.417del, p.Ala141fs (NM_001114185.3, NM_001414511.1, NM_001414512.1 and 1 more transcripts); c.-166del (NM_001414515.1); c.371+1494del (NM_001414514.1, NM_001301182.2); short protein forms A141fs.
Identifiers: ClinVar variation 2931188 (VCV002931188.3), dbSNP rs104895373, ClinGen allele CA481713633.
Genomic context (GRCh38, chr12:109,581,434, plus strand): 5'-TCACACCCTGGTGTGTTTCAGGGCCCTGCCGAGCCTGGATATCGTAGTGTGGTCGGAGCT[GC>G]CCCCCGGGGCGGGCTTGGGCTCCAGCGCCGCCTACTCGGTGTGTCTGGCAGCAGCCCTCC-3'